The following is an entry in ClinVar:

ClinVar aggregate classification (germline): Uncertain significance. Review status: criteria provided, multiple submitters, no conflicts (2 of 4 stars). 2 submissions from 2 submitters: Uncertain significance (2). Last evaluated 2024-07-03.

Allele frequency attached by ClinVar (database versions not stated): TOPMed 0.00001.
gnomAD v4.1: 1 of 1,600,046 alleles (0.000062%); no homozygotes.

Submissions (2):

GeneDx
Classification: Uncertain significance. Last evaluated: 2024-07-03. Review status: criteria provided, single submitter. Criteria: GeneDx Variant Classification Process June 2021. Collection method: clinical testing. Allele origin: germline. Affected: yes.
Comment: Not observed at significant frequency in large population cohorts (gnomAD); In silico analysis supports that this missense variant has a deleterious effect on protein structure/function; Has not been previously published as pathogenic or benign to our knowledge

Labcorp Genetics (formerly Invitae), Labcorp
Classification: Uncertain significance. Last evaluated: 2022-06-20. Review status: criteria provided, single submitter. Criteria: Invitae Variant Classification Sherloc (09022015). Collection method: clinical testing. Allele origin: germline.
Comment: This sequence change replaces isoleucine, which is neutral and non-polar, with threonine, which is neutral and polar, at codon 717 of the PNPT1 protein (p.Ile717Thr). This variant is not present in population databases (gnomAD no frequency). This variant has not been reported in the literature in individuals affected with PNPT1-related conditions. Algorithms developed to predict the effect of missense changes on protein structure and function are either unavailable or do not agree on the potential impact of this missense change (SIFT: "Deleterious"; PolyPhen-2: "Possibly Damaging"; Align-GVGD: "Class C0"). In summary, the available evidence is currently insufficient to determine the role of this variant in disease. Therefore, it has been classified as a Variant of Uncertain Significance.

NM_033109.5(PNPT1):c.2150T>C (p.Ile717Thr)

Gene: PNPT1 (polyribonucleotide nucleotidyltransferase 1; minus strand). Cytogenetic location: 2p16.1.
Variant type: single nucleotide variant.
Coding change: c.2150T>C on transcript NM_033109.5 (MANE Select); coding-DNA position 2150, T replaced by C.
Protein change: p.Ile717Thr; replaces isoleucine 717 with threonine.
Molecular consequence: missense variant.
Genome position (GRCh38, 1-based): chr2:55,637,598, A>G on the plus strand (T>C on the coding strand, the complement: PNPT1 is on the minus strand). VCF-style: chr2-55637598-A-G. GRCh37 (hg19) VCF-style: chr2-55864733-A-G.
Other names: c.2150T>C (NM_033109.4); short protein forms I717T.
Identifiers: ClinVar variation 2008672 (VCV002008672.4), dbSNP rs1695714326, ClinGen allele CA346923519.
Genomic context (GRCh38, chr2:55,637,598, plus strand): 5'-TGGAATACAAATACCTGAATTTCTTGGCCAACTTCTAATCCTAGGGCAGTAGGATGTTTA[A>G]TCTGGAAAAAAAAATGTTAATCTATTAGTTGTTGTGCATAATTATGTAGTGTCCATGGAA-3'
Protein context (NP_149100.2, residues 707-727): LHNTQLDQRK[Ile717Thr]KHPTALGLEV